The following is an entry in ClinVar:

NM_001382430.1(AKT1):c.120G>A (p.Glu40=)

Gene: AKT1 (AKT serine/threonine kinase 1; minus strand). Cytogenetic location: 14q32.33.
Variant type: single nucleotide variant.
Coding change: c.120G>A on transcript NM_001382430.1 (MANE Select); coding-DNA position 120, G replaced by A.
Protein change: p.Glu40=; no amino-acid change (glutamic acid 40 retained).
Molecular consequence: synonymous variant.
Genome position (GRCh38, 1-based): chr14:104,780,143, C>T on the plus strand (G>A on the coding strand, the complement: AKT1 is on the minus strand). VCF-style: chr14-104780143-C-T. GRCh37 (hg19) VCF-style: chr14-105246480-C-T.
Other names: c.120G>A, p.Glu40= (NM_001014431.2, NM_001014432.2, NM_001382431.1 and 3 more transcripts).
Identifiers: ClinVar variation 473850 (VCV000473850.15), dbSNP rs370287382, ClinGen allele CA7374901.

ClinVar aggregate classification (germline): Likely benign. Review status: criteria provided, multiple submitters, no conflicts (2 of 4 stars). 3 submissions from 3 submitters: Likely benign (3). Last evaluated 2026-06-01.

Conditions:
Inborn genetic diseases. Identifiers: MedGen C0950123, MeSH D030342.
Cowden syndrome 6 (CWS6). Identifiers: Orphanet 201, MedGen C3554519, MONDO:0014048, OMIM 615109.

Allele frequency attached by ClinVar (database versions not stated): gnomAD exomes 0.00002 and 0.00003; TOPMed 0.00002; ExAC 0.00008; ESP Exome Variant Server 0.00008.

Submissions (3):

CeGaT Center for Human Genetics Tuebingen
Classification: Likely benign. Last evaluated: 2026-06-01. Review status: criteria provided, single submitter. Criteria: CeGaT Center For Human Genetics Tuebingen Variant Classification Criteria Version 2. Collection method: clinical testing. Allele origin: germline. Affected: yes. Observed: 1 variant allele.
Comment: AKT1: BP4, BP7

Labcorp Genetics (formerly Invitae), Labcorp
Classification: Likely benign for Cowden syndrome 6. Last evaluated: 2025-11-03. Review status: criteria provided, single submitter. Criteria: Invitae Variant Classification Sherloc (09022015). Collection method: clinical testing. Allele origin: germline.

Ambry Genetics
Classification: Likely benign for Inborn genetic diseases. Last evaluated: 2022-03-03. Review status: criteria provided, single submitter. Criteria: Ambry Variant Classification Scheme 2023. Collection method: clinical testing. Allele origin: germline.